The following is an entry in ClinVar:

ClinVar aggregate classification (germline): Uncertain significance. Review status: criteria provided, multiple submitters, no conflicts (2 of 4 stars). 2 submissions from 2 submitters: Uncertain significance (2). Last evaluated 2024-02-26.

Conditions:
Neuroblastoma, susceptibility to, 3. Also called: ALK-Related Neuroblastic Tumor Susceptibility. Identifiers: Orphanet 635, MedGen C2751681, MONDO:0013083, OMIM 613014.
Hereditary cancer-predisposing syndrome. Also called: Hereditary Cancer Syndrome; Hereditary neoplastic syndrome; Tumor predisposition; Neoplastic Syndromes, Hereditary. Identifiers: Orphanet 140162, MedGen C0027672, MeSH D009386, MONDO:0015356.

Submissions (2):

Ambry Genetics
Classification: Uncertain significance for Hereditary cancer-predisposing syndrome. Last evaluated: 2024-02-26. Review status: criteria provided, single submitter. Criteria: Ambry Variant Classification Scheme 2023. Collection method: clinical testing. Allele origin: germline.
Comment: The p.D1232G variant (also known as c.3695A>G), located in coding exon 24 of the ALK gene, results from an A to G substitution at nucleotide position 3695. The aspartic acid at codon 1232 is replaced by glycine, an amino acid with similar properties. This amino acid position is highly conserved in available vertebrate species. In addition, this alteration is predicted to be deleterious by in silico analysis. Based on the available evidence, the clinical significance of this alteration remains unclear.

Labcorp Genetics (formerly Invitae), Labcorp
Classification: Uncertain significance for Neuroblastoma, susceptibility to, 3. Last evaluated: 2023-10-22. Review status: criteria provided, single submitter. Criteria: Invitae Variant Classification Sherloc (09022015). Collection method: clinical testing. Allele origin: germline.
Comment: This sequence change replaces aspartic acid, which is acidic and polar, with glycine, which is neutral and non-polar, at codon 1232 of the ALK protein (p.Asp1232Gly). This variant is not present in population databases (gnomAD no frequency). This variant has not been reported in the literature in individuals affected with ALK-related conditions. ClinVar contains an entry for this variant (Variation ID: 1355135). An algorithm developed to predict the effect of missense changes on protein structure and function (PolyPhen-2) suggests that this variant is likely to be disruptive. In summary, the available evidence is currently insufficient to determine the role of this variant in disease. Therefore, it has been classified as a Variant of Uncertain Significance.

NM_004304.5(ALK):c.3695A>G (p.Asp1232Gly)

Gene: ALK (ALK receptor tyrosine kinase; minus strand). Cytogenetic location: 2p23.2.
Variant type: single nucleotide variant.
Coding change: c.3695A>G on transcript NM_004304.5 (MANE Select); coding-DNA position 3695, A replaced by G.
Protein change: p.Asp1232Gly; replaces aspartic acid 1232 with glycine.
Molecular consequence: missense variant.
Genome position (GRCh38, 1-based): chr2:29,214,032, T>C on the plus strand (A>G on the coding strand, the complement: ALK is on the minus strand). VCF-style: chr2-29214032-T-C. GRCh37 (hg19) VCF-style: chr2-29436898-T-C.
Other names: c.3695A>G (NM_004304.4); c.491A>G, p.Asp164Gly (NM_001353765.2); short protein forms D1232G, D164G.
Identifiers: ClinVar variation 1355135 (VCV001355135.9), dbSNP rs2148159418, ClinGen allele CA346471421.
Genomic context (GRCh38, chr2:29,214,032, plus strand): 5'-ACTTTGACTCACCGGTGGATGAAGTGGTTTTCCTCCAAATACTGACAGCCACAGGCAATG[T>C]CCCGAGCCACGTGCAGAAGGTCCAGCATGGCCAGGGAGGAGGGCTGGCTCTGTGGGGAGA-3'
Protein context (NP_004295.2, residues 1222-1242): AMLDLLHVAR[Asp1232Gly]IACGCQYLEE